The following is an entry in ClinVar:

ClinVar aggregate classification (germline): Uncertain significance (1 of 4 stars; one submission).

Submission:

Labcorp Genetics (formerly Invitae), Labcorp
Classification: Uncertain significance. Last evaluated: 2024-06-10. Review status: criteria provided, single submitter. Criteria: Invitae Variant Classification Sherloc (09022015). Collection method: clinical testing. Allele origin: germline.
Comment: This sequence change replaces serine, which is neutral and polar, with proline, which is neutral and non-polar, at codon 8 of the PRPF4 protein (p.Ser8Pro). This variant is not present in population databases (gnomAD no frequency). This variant has not been reported in the literature in individuals affected with PRPF4-related conditions. An algorithm developed to predict the effect of missense changes on protein structure and function (PolyPhen-2) suggests that this variant is likely to be tolerated. In summary, the available evidence is currently insufficient to determine the role of this variant in disease. Therefore, it has been classified as a Variant of Uncertain Significance.

NM_001244926.2(PRPF4):c.22T>C (p.Ser8Pro)

Gene: PRPF4 (pre-mRNA splicing tri-snRNP complex factor PRPF4; plus strand). Cytogenetic location: 9q32.
Variant type: single nucleotide variant.
Coding change: c.22T>C on transcript NM_001244926.2 (MANE Select); coding-DNA position 22, T replaced by C.
Protein change: p.Ser8Pro; replaces serine 8 with proline.
Molecular consequence: missense variant. On other transcripts: 5 prime UTR variant (2), non-coding transcript variant (2).
Genome position (GRCh38, 1-based): chr9:113,275,765, T>C. VCF-style: chr9-113275765-T-C. GRCh37 (hg19) VCF-style: chr9-116038045-T-C.
Other names: c.-744T>C (NM_001322266.2); c.-747T>C (NM_001322267.2); c.22T>C, p.Ser8Pro (NM_004697.5); short protein forms S8P.
Identifiers: ClinVar variation 3607938 (VCV003607938.2).